The following is an entry in ClinVar:

NM_003072.5(SMARCA4):c.142G>C (p.Gly48Arg)

Gene: SMARCA4 (SWI/SNF related BAF chromatin remodeling complex subunit ATPase 4; plus strand). Cytogenetic location: 19p13.2.
Variant type: single nucleotide variant.
Coding change: c.142G>C on transcript NM_003072.5 (MANE Select); coding-DNA position 142, G replaced by C.
Protein change: p.Gly48Arg; replaces glycine 48 with arginine.
Molecular consequence: missense variant. On other transcripts: non-coding transcript variant (1).
Genome position (GRCh38, 1-based): chr19:10,984,293, G>C. VCF-style: chr19-10984293-G-C. GRCh37 (hg19) VCF-style: chr19-11094969-G-C.
Other names: c.142G>C, p.Gly48Arg (NM_001128844.3, NM_001128845.2, NM_001128846.2 and 5 more transcripts); short protein forms G48R.
Identifiers: ClinVar variation 1692579 (VCV001692579.4), dbSNP rs2085816935, ClinGen allele CA404054447.

ClinVar aggregate classification (germline): Uncertain significance. Review status: criteria provided, multiple submitters, no conflicts (2 of 4 stars). 2 submissions from 2 submitters: Uncertain significance (2). Last evaluated 2025-02-27.

Conditions:
Hereditary cancer-predisposing syndrome. Also called: Hereditary Cancer Syndrome; Hereditary neoplastic syndrome; Neoplastic Syndromes, Hereditary; Tumor predisposition. Identifiers: Orphanet 140162, MedGen C0027672, MeSH D009386, MONDO:0015356.
Rhabdoid tumor predisposition syndrome 2 (RTPS2). Identifiers: Orphanet 231108, Orphanet 69077, MedGen C2750074, MONDO:0013224, OMIM 613325.

Allele frequency attached by ClinVar (database versions not stated): gnomAD exomes below 0.00001.
gnomAD v4.1: 1 of 1,608,876 alleles (0.000062%); highest among the groups gnomAD compares: South Asian, 0.0011%; no homozygotes.

Submissions (2):

Labcorp Genetics (formerly Invitae), Labcorp
Classification: Uncertain significance for Rhabdoid tumor predisposition syndrome 2. Last evaluated: 2025-02-27. Review status: criteria provided, single submitter. Criteria: Invitae Variant Classification Sherloc (09022015). Collection method: clinical testing. Allele origin: germline.
Comment: This sequence change replaces glycine, which is neutral and non-polar, with arginine, which is basic and polar, at codon 48 of the SMARCA4 protein (p.Gly48Arg). This variant is not present in population databases (gnomAD no frequency). This variant has not been reported in the literature in individuals affected with SMARCA4-related conditions. ClinVar contains an entry for this variant (Variation ID: 1692579). Invitae Evidence Modeling of protein sequence and biophysical properties (such as structural, functional, and spatial information, amino acid conservation, physicochemical variation, residue mobility, and thermodynamic stability) has been performed for this missense variant. However, the output from this modeling did not meet the statistical confidence thresholds required to predict the impact of this variant on SMARCA4 protein function. In summary, the available evidence is currently insufficient to determine the role of this variant in disease. Therefore, it has been classified as a Variant of Uncertain Significance.

Sema4
Classification: Uncertain significance for Hereditary cancer-predisposing syndrome. Last evaluated: 2021-04-05. Review status: criteria provided, single submitter. Criteria: Sema4 Curation Guidelines. Collection method: curation. Allele origin: germline.
Comment: The SMARCA4 c.142G>C (p.G48R) variant has not been reported in the literature to our knowledge. It has not been observed in the large and broad cohorts of the Genome Aggregation Database and has not been reported in ClinVar. In silico tools suggest the impact of the variant on protein function is inconclusive, though these predictions have not been confirmed by functional studies. The evidence is insufficient to meet ACMG/AMP criteria for classifying the variant as benign or pathogenic. Thus, the clinical significance of this variant is currently uncertain.